The following is an entry in ClinVar:

NM_000426.4(LAMA2):c.7390G>T (p.Ala2464Ser)

Gene: LAMA2 (laminin subunit alpha 2; plus strand). Cytogenetic location: 6q22.33.
Variant type: single nucleotide variant.
Coding change: c.7390G>T on transcript NM_000426.4 (MANE Select); coding-DNA position 7390, G replaced by T.
Protein change: p.Ala2464Ser; replaces alanine 2464 with serine.
Molecular consequence: missense variant.
Genome position (GRCh38, 1-based): chr6:129,473,303, G>T. VCF-style: chr6-129473303-G-T. GRCh37 (hg19) VCF-style: chr6-129794448-G-T.
Other names: c.7390G>T, p.Ala2464Ser (NM_001079823.2); short protein forms A2464S.
Identifiers: ClinVar variation 429832 (VCV000429832.2), dbSNP rs1131691621, ClinGen allele CA365624416.

ClinVar aggregate classification (germline): Uncertain significance (1 of 4 stars; one submission).

Allele frequency attached by ClinVar (database versions not stated): TOPMed 0.00003; gnomAD exomes below 0.00001.
gnomAD v4.1: 27 of 1,612,586 alleles (0.0017%); highest among the groups gnomAD compares: East Asian, 0.0067%; no homozygotes.

Submission:

GeneDx
Classification: Uncertain significance. Last evaluated: 2017-05-16. Review status: criteria provided, single submitter. Criteria: GeneDx Variant Classification (06012015). Collection method: clinical testing. Allele origin: germline. Affected: yes.
Comment: The A2464S variant in the LAMA2 gene has not been reported previously as a pathogenic variant, nor as a benign variant, to our knowledge. The A2464S variant is not observed in large population cohorts (Lek et al., 2016; 1000 Genomes Consortium et al., 2015; Exome Variant Server). The A2464S variant is a non-conservative amino acid substitution, which is likely to impact secondary protein structure as these residues differ in polarity, charge, size and/or other properties. This substitution occurs at a position that is conserved in mammals. In silico analysis is inconsistent in its predictions as to whether or not the variant is damaging to the protein structure/function. We interpret A2464S as a variant of uncertain significance.